The following is an entry in ClinVar:

NM_001009994.3(RIPPLY2):c.240-4T>G

Genes: RIPPLY2 (ripply transcriptional repressor 2; plus strand), RIPPLY2-CYB5R4 (RIPPLY2-CYB5R4 readthrough; plus strand). Cytogenetic location: 6q14.2.
Variant type: single nucleotide variant.
Coding change: c.240-4T>G on transcript NM_001009994.3 (MANE Select); 4 bases into the intron before coding-DNA position 240, T replaced by G.
Molecular consequence: intron variant. On other transcripts: 3 prime UTR variant (1), non-coding transcript variant (1).
Genome position (GRCh38, 1-based): chr6:83,857,238, T>G. VCF-style: chr6-83857238-T-G. GRCh37 (hg19) VCF-style: chr6-84566957-T-G.
Other names: IVS3AS, T-G, -4; c.*3073T>G (NM_001400900.1); c.303-4T>G (NM_001400899.1); c.-28+3077T>G (NM_001400774.1).
Identifiers: ClinVar variation 221272 (VCV000221272.33), dbSNP rs370933531, ClinGen allele CA351419.

ClinVar aggregate classification (germline): Conflicting classifications of pathogenicity. Review status: criteria provided, conflicting classifications (1 of 4 stars). 6 submissions from 6 submitters: Likely pathogenic (2); Uncertain significance (1); Likely benign (1). 2 of the submissions do not count toward it. Last evaluated 2026-02-05.

Conditions:
RIPPLY2-related disorder. Also called: RIPPLY2-related condition.
Spondylocostal dysostosis 6, autosomal recessive (SCDO6). Identifiers: Orphanet 2311, MedGen C4225279, MONDO:0014694, OMIM 616566.
Spondylocostal dysostosis 2, autosomal recessive (SCDO2). Also called: MESP2-Related Spondylocostal Dysostosis, Autosomal Recessive; Spondylocostal dysostosis type 2. Identifiers: Orphanet 2311, MedGen C1837549, MONDO:0012097, OMIM 608681.

Allele frequency attached by ClinVar (database versions not stated): 1000 Genomes Project 30x 0.00016; 1000 Genomes Project 0.00020; gnomAD exomes 0.00064; ExAC 0.00065; ESP Exome Variant Server 0.00069; gnomAD 0.00072 and 0.00074; TOPMed 0.00082.
gnomAD v4.1: 1,639 of 1,483,028 alleles (0.11%); highest among the groups gnomAD compares: Non-Finnish European, 0.14%; 3 homozygotes.

Submissions (6):

PreventionGenetics, part of Exact Sciences
Classification: Likely pathogenic for RIPPLY2-related condition. Last evaluated: 2026-02-05. Review status: criteria provided, single submitter. Criteria: ACMG Guidelines, 2015. Collection method: clinical testing. Allele origin: germline.
Comment: The RIPPLY2 c.240-4T>G variant is predicted to interfere with splicing. This variant is not predicted to significantly impact the splice acceptor site based on available splicing prediction programs; however, it is predicted to possibly create a SRp55 exonic splice enhancer site (Alamut Visual v2.11). This variant has been reported in the compound heterozygous state with a nonsense variant (p.Arg80*) in at least 4 individuals from two families with vertebral body malformations (McInerney-Leo et al. 2015. PubMed ID: 25343988; Wegler et al. 2021. PubMed ID: 33410135). The c.240-4T>G has also been reported in the homozygous state in an additional 4 individuals from 3 families with vertebral body malformations (Mokhateb-Rafii et al. 2018. PubMed ID: 30420309; see Table 1, Serey-Gaut et al. 2019. PubMed ID: 32212228). For a summary of all reported patients with c.240-4T>G and clinical features observed see Table 1 in Wegler et al. 2021. PubMed ID: 33410135. At PreventionGenetics, we have observed the c.240-4T>G variant in the homozygous state in two additional unrelated patients with vertebral anomalies (internal data). Functional studies via qPCR were attempted to observe a splicing defect; however, RIPPLY2 expression was unable to be detected in peripheral blood from healthy controls or patients likely due to Ripply2 expression being restricted to embryogenesis (McInerney-Leo et al. 2015. PubMed ID: 25343988). This variant is reported in 0.11% of alleles in individuals of European (non-Finnish) descent in gnomAD, but no homozygotes are observed. This variant is interpreted as likely pathogenic.

Labcorp Genetics (formerly Invitae), Labcorp
Classification: Likely benign. Last evaluated: 2025-12-15. Review status: criteria provided, single submitter. Criteria: Invitae Variant Classification Sherloc (09022015). Collection method: clinical testing. Allele origin: germline.

Women's Health and Genetics/Laboratory Corporation of America, LabCorp
Classification: Uncertain significance. Last evaluated: 2025-09-08. Review status: criteria provided, single submitter. Criteria: LabCorp Variant Classification Summary - May 2015. Collection method: clinical testing. Allele origin: germline.
Comment: Variant summary: RIPPLY2 c.240-4T>G alters a conserved nucleotide located at a position not widely known to affect splicing. Consensus agreement among computation tools predict no significant impact on normal splicing. However, these predictions have yet to be confirmed by functional studies. The variant allele was found at a frequency of 0.00064 in 183088 control chromosomes, predominantly at a frequency of 0.0011 within the Non-Finnish European subpopulation in the gnomAD database. This frequency is not significantly higher than estimated for disease-causing variants in RIPPLY2, allowing no conclusion about variant significance, although the variant was found in 3 homozygous individuals in the gnomAD v4.1 database. c.240-4T>G has been observed in multiple individuals affected with features of Spondylocostal Dysostosis 6, Autosomal Recessive, either in the homozygous state or compound heterozygous state with c.238A>T (p.Arg80Ter)(e.g., McInerney-Leo_2015, Mokhateb-Rafii_2018, Serey-Gaut_2020, Wegler_2021, Schuermans_2022). These reports do not provide unequivocal conclusions about association of the variant with Spondylocostal Dysostosis 6, Autosomal Recessive. To our knowledge, no experimental evidence demonstrating an impact on protein function has been reported. The following publications have been ascertained in the context of this evaluation (PMID: 25343988, 30420309, 32212228, 33410135, 35606766). ClinVar contains an entry for this variant (Variation ID: 221272). Based on the evidence outlined above, the variant was classified as uncertain significance.

CeGaT Center for Human Genetics Tuebingen
Classification: Likely pathogenic. Last evaluated: 2024-11-01. Review status: criteria provided, single submitter. Criteria: CeGaT Center For Human Genetics Tuebingen Variant Classification Criteria Version 2. Collection method: clinical testing. Allele origin: germline. Affected: yes. Observed: 1 variant allele.
Comment: RIPPLY2: PM3:Strong, PP1:Strong, PM2:Supporting, PP4, BP4

OMIM
Classification: Pathogenic for SPONDYLOCOSTAL DYSOSTOSIS 6, AUTOSOMAL RECESSIVE (1 family). Last evaluated: 2015-03-01. Review status: no assertion criteria provided. Collection method: literature only. Allele origin: germline. Not counted in ClinVar's aggregate classification.

GeneReviews
No classification provided. Condition: Spondylocostal dysostosis 2, autosomal recessive. Review status: no classification provided. Collection method: literature only. Allele origin: germline. Not counted in ClinVar's aggregate classification.

Literature cited by the submitters: PubMed 35606766 (cited by Women's Health and Genetics/Laboratory Corporation of America, LabCorp); PubMed 25343988 (cited by Women's Health and Genetics/Laboratory Corporation of America, LabCorp and OMIM); PubMed 30420309 (cited by Women's Health and Genetics/Laboratory Corporation of America, LabCorp and OMIM); PubMed 32212228 (cited by Women's Health and Genetics/Laboratory Corporation of America, LabCorp and OMIM); PubMed 33410135 (cited by Women's Health and Genetics/Laboratory Corporation of America, LabCorp); NCBI Bookshelf NBK8828 (cited by GeneReviews).